The following is an entry in ClinVar:

ClinVar aggregate classification (germline): Uncertain significance (1 of 4 stars; one submission).

Conditions:
Hereditary cancer-predisposing syndrome. Also called: Tumor predisposition; Hereditary Cancer Syndrome; Hereditary neoplastic syndrome; Neoplastic Syndromes, Hereditary. Identifiers: Orphanet 140162, MedGen C0027672, MeSH D009386, MONDO:0015356.

Allele frequency attached by ClinVar (database versions not stated): gnomAD exomes below 0.00001.
gnomAD v4.1: 1 of 1,614,156 alleles (0.000062%); highest among the groups gnomAD compares: Non-Finnish European, 0.000085%; no homozygotes.

Submission:

Ambry Genetics
Classification: Uncertain significance for Hereditary cancer-predisposing syndrome. Last evaluated: 2023-09-05. Review status: criteria provided, single submitter. Criteria: Ambry Variant Classification Scheme 2023. Collection method: clinical testing. Allele origin: germline.
Comment: The p.K656M variant (also known as c.1967A>T), located in coding exon 13 of the BRIP1 gene, results from an A to T substitution at nucleotide position 1967. The lysine at codon 656 is replaced by methionine, an amino acid with similar properties. This amino acid position is conserved. In addition, this alteration is predicted to be tolerated by in silico analysis. Since supporting evidence is limited at this time, the clinical significance of this alteration remains unclear.

NM_032043.3(BRIP1):c.1967A>T (p.Lys656Met)

Gene: BRIP1 (BRCA1 interacting DNA helicase 1; minus strand). Cytogenetic location: 17q23.2.
Variant type: single nucleotide variant.
Coding change: c.1967A>T on transcript NM_032043.3 (MANE Select); coding-DNA position 1967, A replaced by T.
Protein change: p.Lys656Met; replaces lysine 656 with methionine.
Molecular consequence: missense variant.
Genome position (GRCh38, 1-based): chr17:61,776,531, T>A on the plus strand (A>T on the coding strand, the complement: BRIP1 is on the minus strand). VCF-style: chr17-61776531-T-A. GRCh37 (hg19) VCF-style: chr17-59853892-T-A.
Other names: short protein forms K656M.
Identifiers: ClinVar variation 2626401 (VCV002626401.2), dbSNP rs1322017079, ClinGen allele CA400478534.